The following is an entry in ClinVar:

NM_003072.5(SMARCA4):c.1014G>T (p.Gln338His)

Gene: SMARCA4 (SWI/SNF related BAF chromatin remodeling complex subunit ATPase 4; plus strand). Cytogenetic location: 19p13.2.
Variant type: single nucleotide variant.
Coding change: c.1014G>T on transcript NM_003072.5 (MANE Select); coding-DNA position 1014, G replaced by T.
Protein change: p.Gln338His; replaces glutamine 338 with histidine.
Molecular consequence: missense variant. On other transcripts: non-coding transcript variant (1).
Genome position (GRCh38, 1-based): chr19:10,987,820, G>T. VCF-style: chr19-10987820-G-T. GRCh37 (hg19) VCF-style: chr19-11098496-G-T.
Other names: c.1014G>T, p.Gln338His (NM_001128844.3, NM_001128845.2, NM_001128846.2 and 6 more transcripts); short protein forms Q338H.
Identifiers: ClinVar variation 3320745 (VCV003320745.3).

ClinVar aggregate classification (germline): Uncertain significance. Review status: criteria provided, multiple submitters, no conflicts (2 of 4 stars). 2 submissions from 2 submitters: Uncertain significance (2). Last evaluated 2025-03-11.

Conditions:
Rhabdoid tumor predisposition syndrome 2 (RTPS2). Identifiers: Orphanet 231108, Orphanet 69077, MedGen C2750074, MONDO:0013224, OMIM 613325.
Hereditary cancer-predisposing syndrome. Also called: Neoplastic Syndromes, Hereditary; Tumor predisposition; Hereditary neoplastic syndrome; Hereditary Cancer Syndrome. Identifiers: Orphanet 140162, MedGen C0027672, MeSH D009386, MONDO:0015356.

gnomAD v4.1: 1 of 1,606,846 alleles (0.000062%); no homozygotes.

Submissions (2):

Labcorp Genetics (formerly Invitae), Labcorp
Classification: Uncertain significance for Rhabdoid tumor predisposition syndrome 2. Last evaluated: 2025-03-11. Review status: criteria provided, single submitter. Criteria: Invitae Variant Classification Sherloc (09022015). Collection method: clinical testing. Allele origin: germline.
Comment: This sequence change replaces glutamine, which is neutral and polar, with histidine, which is basic and polar, at codon 338 of the SMARCA4 protein (p.Gln338His). This variant is not present in population databases (gnomAD no frequency). This variant has not been reported in the literature in individuals affected with SMARCA4-related conditions. ClinVar contains an entry for this variant (Variation ID: 3320745). Invitae Evidence Modeling of protein sequence and biophysical properties (such as structural, functional, and spatial information, amino acid conservation, physicochemical variation, residue mobility, and thermodynamic stability) indicates that this missense variant is not expected to disrupt SMARCA4 protein function with a negative predictive value of 95%. In summary, the available evidence is currently insufficient to determine the role of this variant in disease. Therefore, it has been classified as a Variant of Uncertain Significance.

Ambry Genetics
Classification: Uncertain significance for Hereditary cancer-predisposing syndrome. Last evaluated: 2024-05-16. Review status: criteria provided, single submitter. Criteria: Ambry Variant Classification Scheme 2023. Collection method: clinical testing. Allele origin: germline.
Comment: The p.Q338H variant (also known as c.1014G>T), located in coding exon 5 of the SMARCA4 gene, results from a G to T substitution at nucleotide position 1014. The glutamine at codon 338 is replaced by histidine, an amino acid with highly similar properties. This amino acid position is conserved. In addition, the in silico prediction for this alteration is inconclusive. Based on the available evidence, the clinical significance of this variant remains unclear.